The following is an entry in ClinVar:

NM_020184.4(CNNM4):c.179C>G (p.Thr60Arg)

Gene: CNNM4 (cyclin and CBS domain divalent metal cation transport mediator 4; plus strand). Cytogenetic location: 2q11.2.
Variant type: single nucleotide variant.
Coding change: c.179C>G on transcript NM_020184.4 (MANE Select); coding-DNA position 179, C replaced by G.
Protein change: p.Thr60Arg; replaces threonine 60 with arginine.
Molecular consequence: missense variant.
Genome position (GRCh38, 1-based): chr2:96,761,178, C>G. VCF-style: chr2-96761178-C-G. GRCh37 (hg19) VCF-style: chr2-97426915-C-G.
Other names: short protein forms T60R.
Identifiers: ClinVar variation 968262 (VCV000968262.11), dbSNP rs755155971, ClinGen allele CA1783167.
Genomic context (GRCh38, chr2:96,761,178, plus strand): 5'-GCCCCCAGCAGGGCACGATCGTGGGCATGAGGCTGGCGAGCTGCAACAAGTCGTGTGGGA[C>G]GAACCCGGATGGCATCATCTTCGTGTCCGAGGGCAGCACCGTGAACCTGAGGCTGTACGG-3'
Protein context (NP_064569.3, residues 50-70): RLASCNKSCG[Thr60Arg]NPDGIIFVSE

ClinVar aggregate classification (germline): Uncertain significance. Review status: criteria provided, multiple submitters, no conflicts (2 of 4 stars). 2 submissions from 2 submitters: Uncertain significance (2). Last evaluated 2023-12-21.

Allele frequency attached by ClinVar (database versions not stated): TOPMed below 0.00001; gnomAD 0.00001; gnomAD exomes 0.00002; ExAC 0.00003.
gnomAD v4.1: 12 of 1,612,814 alleles (0.00074%); highest among the groups gnomAD compares: Non-Finnish European, 0.00017%; no homozygotes.

Submissions (2):

Blueprint Genetics
Classification: Uncertain significance. Last evaluated: 2023-12-21. Review status: criteria provided, single submitter. Criteria: ACMG Guidelines, 2015. Collection method: clinical testing. Allele origin: germline.

Labcorp Genetics (formerly Invitae), Labcorp
Classification: Uncertain significance. Last evaluated: 2022-11-01. Review status: criteria provided, single submitter. Criteria: Invitae Variant Classification Sherloc (09022015). Collection method: clinical testing. Allele origin: germline.
Comment: This variant has not been reported in the literature in individuals affected with CNNM4-related conditions. This variant is present in population databases (rs755155971, gnomAD 0.02%). This sequence change replaces threonine, which is neutral and polar, with arginine, which is basic and polar, at codon 60 of the CNNM4 protein (p.Thr60Arg). ClinVar contains an entry for this variant (Variation ID: 968262). In summary, the available evidence is currently insufficient to determine the role of this variant in disease. Therefore, it has been classified as a Variant of Uncertain Significance. Advanced modeling of protein sequence and biophysical properties (such as structural, functional, and spatial information, amino acid conservation, physicochemical variation, residue mobility, and thermodynamic stability) performed at Invitae indicates that this missense variant is not expected to disrupt CNNM4 protein function.